The following is an entry in ClinVar:

ClinVar aggregate classification (germline): Uncertain significance (1 of 4 stars; one submission).

Submission:

Labcorp Genetics (formerly Invitae), Labcorp
Classification: Uncertain significance. Last evaluated: 2023-04-03. Review status: criteria provided, single submitter. Criteria: Invitae Variant Classification Sherloc (09022015). Collection method: clinical testing. Allele origin: germline.
Comment: Algorithms developed to predict the effect of missense changes on protein structure and function output the following: SIFT: "Not Available"; PolyPhen-2: "Benign"; Align-GVGD: "Not Available". The aspartic acid amino acid residue is found in multiple mammalian species, which suggests that this missense change does not adversely affect protein function. In summary, the available evidence is currently insufficient to determine the role of this variant in disease. Therefore, it has been classified as a Variant of Uncertain Significance. This variant has not been reported in the literature in individuals affected with AHDC1-related conditions. This sequence change replaces glutamic acid, which is acidic and polar, with aspartic acid, which is acidic and polar, at codon 719 of the AHDC1 protein (p.Glu719Asp). This variant is not present in population databases (gnomAD no frequency).

NM_001371928.1(AHDC1):c.2157G>C (p.Glu719Asp)

Gene: AHDC1 (AT-hook DNA binding motif containing 1; minus strand). Cytogenetic location: 1p36.11.
Variant type: single nucleotide variant.
Coding change: c.2157G>C on transcript NM_001371928.1 (MANE Select); coding-DNA position 2157, G replaced by C.
Protein change: p.Glu719Asp; replaces glutamic acid 719 with aspartic acid.
Molecular consequence: missense variant.
Genome position (GRCh38, 1-based): chr1:27,549,959, C>G on the plus strand (G>C on the coding strand, the complement: AHDC1 is on the minus strand). VCF-style: chr1-27549959-C-G. GRCh37 (hg19) VCF-style: chr1-27876470-C-G.
Other names: c.2157G>C, p.Glu719Asp (NM_001029882.3); short protein forms E719D.
Identifiers: ClinVar variation 2821001 (VCV002821001.3), dbSNP rs2521955435, ClinGen allele CA339232575.